The following is an entry in ClinVar:

ClinVar aggregate classification (germline): Uncertain significance (1 of 4 stars; one submission).

Allele frequency attached by ClinVar (database versions not stated): gnomAD 0.00003; TOPMed 0.00004; ExAC 0.00006; gnomAD exomes 0.00009 and 0.00017.
gnomAD v4.1: 231 of 1,550,530 alleles (0.015%); highest among the groups gnomAD compares: Non-Finnish European, 0.019%; no homozygotes.

Submission:

Labcorp Genetics (formerly Invitae), Labcorp
Classification: Uncertain significance. Last evaluated: 2021-06-10. Review status: criteria provided, single submitter. Criteria: Invitae Variant Classification Sherloc (09022015). Collection method: clinical testing. Allele origin: germline.
Comment: This variant has not been reported in the literature in individuals with OTOG-related conditions. This sequence change replaces arginine with glutamine at codon 254 of the OTOG protein (p.Arg254Gln). The arginine residue is moderately conserved and there is a small physicochemical difference between arginine and glutamine. This variant is present in population databases (rs765587052, ExAC 0.02%). Algorithms developed to predict the effect of missense changes on protein structure and function output the following: SIFT: "Tolerated"; PolyPhen-2: "Benign"; Align-GVGD: "Class C0". The glutamine amino acid residue is found in multiple mammalian species, suggesting that this missense change does not adversely affect protein function. These predictions have not been confirmed by published functional studies and their clinical significance is uncertain. Algorithms developed to predict the effect of sequence changes on RNA splicing suggest that this variant may create or strengthen a splice site, but this prediction has not been confirmed by published transcriptional studies. In summary, the available evidence is currently insufficient to determine the role of this variant in disease. Therefore, it has been classified as a Variant of Uncertain Significance.

NM_001292063.2(OTOG):c.725G>A (p.Arg242Gln)

Gene: OTOG (otogelin; plus strand). Cytogenetic location: 11p15.1.
Variant type: single nucleotide variant.
Coding change: c.725G>A on transcript NM_001292063.2 (MANE Select); coding-DNA position 725, G replaced by A.
Protein change: p.Arg242Gln; replaces arginine 242 with glutamine.
Molecular consequence: missense variant.
Genome position (GRCh38, 1-based): chr11:17,557,183, G>A. VCF-style: chr11-17557183-G-A. GRCh37 (hg19) VCF-style: chr11-17578730-G-A.
Other names: c.761G>A, p.Arg254Gln (NM_001277269.2); short protein forms R254Q, R242Q.
Identifiers: ClinVar variation 1448327 (VCV001448327.7), dbSNP rs765587052, ClinGen allele CA5905398.